The following is an entry in ClinVar:

ClinVar aggregate classification (germline): Uncertain significance (1 of 4 stars; one submission).

Conditions:
Wilms tumor 1 (WT1). Also called: Wilms tumor, somatic. Identifiers: Orphanet 654, MedGen CN033288, MONDO:0008679, OMIM 194070.

Submission:

Labcorp Genetics (formerly Invitae), Labcorp
Classification: Uncertain significance for Wilms tumor 1. Last evaluated: 2023-07-09. Review status: criteria provided, single submitter. Criteria: Invitae Variant Classification Sherloc (09022015). Collection method: clinical testing. Allele origin: germline.
Comment: In summary, the available evidence is currently insufficient to determine the role of this variant in disease. Therefore, it has been classified as a Variant of Uncertain Significance. Advanced modeling of protein sequence and biophysical properties (such as structural, functional, and spatial information, amino acid conservation, physicochemical variation, residue mobility, and thermodynamic stability) performed at Invitae indicates that this missense variant is not expected to disrupt GPC3 protein function. ClinVar contains an entry for this variant (Variation ID: 2054858). This variant has not been reported in the literature in individuals affected with GPC3-related conditions. This variant is not present in population databases (gnomAD no frequency). This sequence change replaces glycine, which is neutral and non-polar, with serine, which is neutral and polar, at codon 309 of the GPC3 protein (p.Gly309Ser).

NM_004484.4(GPC3):c.925G>A (p.Gly309Ser)

Gene: GPC3 (glypican 3; minus strand). Cytogenetic location: Xq26.2.
Variant type: single nucleotide variant.
Coding change: c.925G>A on transcript NM_004484.4 (MANE Select); coding-DNA position 925, G replaced by A.
Protein change: p.Gly309Ser; replaces glycine 309 with serine.
Molecular consequence: missense variant.
Genome position (GRCh38, 1-based): chrX:133,753,589, C>T on the plus strand (G>A on the coding strand, the complement: GPC3 is on the minus strand). VCF-style: chrX-133753589-C-T. GRCh37 (hg19) VCF-style: chrX-132887616-C-T.
Other names: c.925G>A, p.Gly309Ser (NM_001164617.2); c.877G>A, p.Gly293Ser (NM_001164618.2); c.763G>A, p.Gly255Ser (NM_001164619.2); short protein forms G255S, G293S, G309S.
Identifiers: ClinVar variation 2054858 (VCV002054858.4), dbSNP rs1383580639, ClinGen allele CA414705242.